The following is an entry in ClinVar:

NM_024596.5(MCPH1):c.7G>T (p.Ala3Ser)

Gene: MCPH1 (microcephalin 1; plus strand). Cytogenetic location: 8p23.1.
Variant type: single nucleotide variant.
Coding change: c.7G>T on transcript NM_024596.5 (MANE Select); coding-DNA position 7, G replaced by T.
Protein change: p.Ala3Ser; replaces alanine 3 with serine.
Molecular consequence: missense variant. On other transcripts: non-coding transcript variant (1).
Genome position (GRCh38, 1-based): chr8:6,406,674, G>T. VCF-style: chr8-6406674-G-T. GRCh37 (hg19) VCF-style: chr8-6264195-G-T.
Other names: c.7G>T, p.Ala3Ser (NM_001172574.2, NM_001172575.2, NM_001322042.2 and 3 more transcripts); short protein forms A3S.
Identifiers: ClinVar variation 1349440 (VCV001349440.6), dbSNP rs2129550282, ClinGen allele CA370215239.

ClinVar aggregate classification (germline): Uncertain significance (1 of 4 stars; one submission).

Submission:

Labcorp Genetics (formerly Invitae), Labcorp
Classification: Uncertain significance. Last evaluated: 2023-08-24. Review status: criteria provided, single submitter. Criteria: Invitae Variant Classification Sherloc (09022015). Collection method: clinical testing. Allele origin: germline.
Comment: This sequence change replaces alanine, which is neutral and non-polar, with serine, which is neutral and polar, at codon 3 of the MCPH1 protein (p.Ala3Ser). This variant is not present in population databases (gnomAD no frequency). In summary, the available evidence is currently insufficient to determine the role of this variant in disease. Therefore, it has been classified as a Variant of Uncertain Significance. An algorithm developed to predict the effect of missense changes on protein structure and function (PolyPhen-2) suggests that this variant is likely to be disruptive. ClinVar contains an entry for this variant (Variation ID: 1349440). This variant has not been reported in the literature in individuals affected with MCPH1-related conditions.